The following is an entry in ClinVar:

ClinVar aggregate classification (germline): Uncertain significance. Review status: criteria provided, multiple submitters, no conflicts (2 of 4 stars). 3 submissions from 3 submitters: Uncertain significance (3). Last evaluated 2024-05-21.

Conditions:
Progressive myoclonic epilepsy type 9. Identifiers: Orphanet 457265, MedGen C4225289, MONDO:0014685, OMIM 616540.
Lipodystrophy, partial, acquired, susceptibility to (APLD). Also called: APLD, SUSCEPTIBILITY TO. Identifiers: MedGen C3887501, MONDO:0100476, OMIM 608709.

Allele frequency attached by ClinVar (database versions not stated): gnomAD 0.00002; TOPMed 0.00002; ESP Exome Variant Server 0.00015.

Submissions (3):

Labcorp Genetics (formerly Invitae), Labcorp
Classification: Uncertain significance for Progressive myoclonic epilepsy type 9; Lipodystrophy, partial, acquired, susceptibility to. Last evaluated: 2024-05-21. Review status: criteria provided, single submitter. Criteria: Invitae Variant Classification Sherloc (09022015). Collection method: clinical testing. Allele origin: germline.
Comment: This sequence change replaces arginine, which is basic and polar, with cysteine, which is neutral and slightly polar, at codon 304 of the LMNB2 protein (p.Arg304Cys). This variant is present in population databases (rs140495297, gnomAD 0.008%). This missense change has been observed in individual(s) with clinical features of LMNB2-related conditions (PMID: 32041611). ClinVar contains an entry for this variant (Variation ID: 641848). Advanced modeling of protein sequence and biophysical properties (such as structural, functional, and spatial information, amino acid conservation, physicochemical variation, residue mobility, and thermodynamic stability) performed at Invitae indicates that this missense variant is expected to disrupt LMNB2 protein function with a positive predictive value of 80%. In summary, the available evidence is currently insufficient to determine the role of this variant in disease. Therefore, it has been classified as a Variant of Uncertain Significance.

CeGaT Center for Human Genetics Tuebingen
Classification: Uncertain significance. Last evaluated: 2023-12-01. Review status: criteria provided, single submitter. Criteria: CeGaT Center For Human Genetics Tuebingen Variant Classification Criteria Version 2. Collection method: clinical testing. Allele origin: germline. Affected: yes. Observed: 1 variant allele.

3billion
Classification: Uncertain significance for Progressive myoclonic epilepsy type 9. Last evaluated: 2023-10-16. Review status: criteria provided, single submitter. Criteria: ACMG Guidelines, 2015. Collection method: clinical testing. Allele origin: germline. Affected: yes.
Comment: The variant is observed at an extremely low frequency in the gnomAD v2.1.1 dataset (total allele frequency: 0.003%). Predicted Consequence/Location: Missense variants Therefore, this variant is classified as VUS according to the recommendation of ACMG/AMP guideline.

Literature cited by the submitters: PubMed 32041611 (cited by Labcorp Genetics (formerly Invitae), Labcorp).

NM_032737.4(LMNB2):c.910C>T (p.Arg304Cys)

Gene: LMNB2 (lamin B2; minus strand). Cytogenetic location: 19p13.3.
Variant type: single nucleotide variant.
Coding change: c.910C>T on transcript NM_032737.4 (MANE Select); coding-DNA position 910, C replaced by T.
Protein change: p.Arg304Cys; replaces arginine 304 with cysteine.
Molecular consequence: missense variant.
Genome position (GRCh38, 1-based): chr19:2,434,859, G>A on the plus strand (C>T on the coding strand, the complement: LMNB2 is on the minus strand). VCF-style: chr19-2434859-G-A. GRCh37 (hg19) VCF-style: chr19-2434857-G-A.
Other names: short protein forms R304C.
Identifiers: ClinVar variation 641848 (VCV000641848.34), dbSNP rs140495297, ClinGen allele CA9067684.